The following is an entry in ClinVar:

ClinVar aggregate classification (germline): Uncertain significance (1 of 4 stars; one submission).

Submission:

GeneDx
Classification: Uncertain significance. Last evaluated: 2026-10-03. Review status: criteria provided, single submitter. Criteria: GeneDx Variant Classification Process June 2021. Collection method: clinical testing. Allele origin: germline.
Comment: Not observed at significant frequency in large population cohorts (gnomAD); In silico analysis suggests that this missense variant does not alter protein structure/function; Has not been previously published as pathogenic or benign to our knowledge

NM_001271.4(CHD2):c.4019A>G (p.Lys1340Arg)

Gene: CHD2 (chromodomain helicase DNA binding protein 2; plus strand). Cytogenetic location: 15q26.1.
Variant type: single nucleotide variant.
Coding change: c.4019A>G on transcript NM_001271.4 (MANE Select); coding-DNA position 4019, A replaced by G.
Protein change: p.Lys1340Arg; replaces lysine 1340 with arginine.
Molecular consequence: missense variant.
Genome position (GRCh38, 1-based): chr15:93,000,522, A>G. VCF-style: chr15-93000522-A-G. GRCh37 (hg19) VCF-style: chr15-93543752-A-G.
Other names: short protein forms K1340R.
Identifiers: ClinVar variation 4755828 (VCV004755828.2).